The following is an entry in ClinVar:

NM_025179.4(PLXNA2):c.4528G>A (p.Glu1510Lys)

Gene: PLXNA2 (plexin A2; minus strand). Cytogenetic location: 1q32.2.
Variant type: single nucleotide variant.
Coding change: c.4528G>A on transcript NM_025179.4 (MANE Select); coding-DNA position 4528, G replaced by A.
Protein change: p.Glu1510Lys; replaces glutamic acid 1510 with lysine.
Molecular consequence: missense variant.
Genome position (GRCh38, 1-based): chr1:208,038,957, C>T on the plus strand (G>A on the coding strand, the complement: PLXNA2 is on the minus strand). VCF-style: chr1-208038957-C-T. GRCh37 (hg19) VCF-style: chr1-208212302-C-T.
Other names: short protein forms E1510K.
Identifiers: ClinVar variation 2886364 (VCV002886364.3), dbSNP rs1389563847, ClinGen allele CA1372846.
Genomic context (GRCh38, chr1:208,038,957, plus strand): 5'-CCTTGACCTGTGTGATGGTGTCACAGTTTAACACCTTCACTGGGATCTCTGGACTGTTCT[C>T]GTTGTCAGGGTTGACGCAGTTCAGGATCTACAAGTAGGGGACAGAGGGTGAGCAGGACAG-3'
Protein context (NP_079455.3, residues 1500-1520): LILNCVNPDN[Glu1510Lys]NSPEIPVKVL

ClinVar aggregate classification (germline): Uncertain significance (1 of 4 stars; one submission).

Allele frequency attached by ClinVar (database versions not stated): ExAC 0.00003; gnomAD 0.00003; gnomAD exomes 0.00005.
gnomAD v4.1: 70 of 1,613,880 alleles (0.0043%); highest among the groups gnomAD compares: Non-Finnish European, 0.0055%; no homozygotes.

Submission:

Labcorp Genetics (formerly Invitae), Labcorp
Classification: Uncertain significance. Last evaluated: 2023-07-20. Review status: criteria provided, single submitter. Criteria: Invitae Variant Classification Sherloc (09022015). Collection method: clinical testing. Allele origin: germline.
Comment: In summary, the available evidence is currently insufficient to determine the role of this variant in disease. Therefore, it has been classified as a Variant of Uncertain Significance. Advanced modeling of protein sequence and biophysical properties (such as structural, functional, and spatial information, amino acid conservation, physicochemical variation, residue mobility, and thermodynamic stability) performed at Invitae indicates that this missense variant is not expected to disrupt PLXNA2 protein function. This variant has not been reported in the literature in individuals affected with PLXNA2-related conditions. This variant is present in population databases (no rsID available, gnomAD 0.007%). This sequence change replaces glutamic acid, which is acidic and polar, with lysine, which is basic and polar, at codon 1510 of the PLXNA2 protein (p.Glu1510Lys).